The following is an entry in ClinVar:

ClinVar aggregate classification (germline): Uncertain significance (1 of 4 stars; one submission).

Conditions:
Mucopolysaccharidosis, MPS-II (MPS2). Also called: Attenuated MPS (subtype; formerly known as mild MPS II); Severe MPS II; I2S deficiency; MPS 2; Hunter Syndrome; IDURONATE 2-SULFATASE DEFICIENCY. Identifiers: Orphanet 580, Orphanet 79388, MedGen C0026705, MONDO:0010674, OMIM 309900.

Submission:

Labcorp Genetics (formerly Invitae), Labcorp
Classification: Uncertain significance for Mucopolysaccharidosis, MPS-II. Last evaluated: 2023-03-14. Review status: criteria provided, single submitter. Criteria: Invitae Variant Classification Sherloc (09022015). Collection method: clinical testing. Allele origin: germline.
Comment: In summary, the available evidence is currently insufficient to determine the role of this variant in disease. Therefore, it has been classified as a Variant of Uncertain Significance. Algorithms developed to predict the effect of sequence changes on RNA splicing suggest that this variant may create or strengthen a splice site. Advanced modeling of protein sequence and biophysical properties (such as structural, functional, and spatial information, amino acid conservation, physicochemical variation, residue mobility, and thermodynamic stability) has been performed at Invitae for this missense variant, however the output from this modeling did not meet the statistical confidence thresholds required to predict the impact of this variant on IDS protein function. This variant has not been reported in the literature in individuals affected with IDS-related conditions. This variant is not present in population databases (gnomAD no frequency). This sequence change replaces threonine, which is neutral and polar, with alanine, which is neutral and non-polar, at codon 500 of the IDS protein (p.Thr500Ala).

NM_000202.8(IDS):c.1498A>G (p.Thr500Ala)

Gene: IDS (iduronate 2-sulfatase; minus strand). Cytogenetic location: Xq28.
Variant type: single nucleotide variant.
Coding change: c.1498A>G on transcript NM_000202.8 (MANE Select); coding-DNA position 1498, A replaced by G.
Protein change: p.Thr500Ala; replaces threonine 500 with alanine.
Molecular consequence: missense variant.
Genome position (GRCh38, 1-based): chrX:149,482,901, T>C on the plus strand (A>G on the coding strand, the complement: IDS is on the minus strand). VCF-style: chrX-149482901-T-C. GRCh37 (hg19) VCF-style: chrX-148564432-T-C.
Other names: c.1228A>G, p.Thr410Ala (NM_001166550.4); short protein forms T410A, T500A.
Identifiers: ClinVar variation 2845955 (VCV002845955.3), dbSNP rs2520753971, ClinGen allele CA414517959.